The following is an entry in ClinVar:

NM_017654.4(SAMD9):c.137T>C (p.Leu46Ser)

Gene: SAMD9 (sterile alpha motif domain containing 9; minus strand). Cytogenetic location: 7q21.2.
Variant type: single nucleotide variant.
Coding change: c.137T>C on transcript NM_017654.4 (MANE Select); coding-DNA position 137, T replaced by C.
Protein change: p.Leu46Ser; replaces leucine 46 with serine.
Molecular consequence: missense variant.
Genome position (GRCh38, 1-based): chr7:93,105,961, A>G on the plus strand (T>C on the coding strand, the complement: SAMD9 is on the minus strand). VCF-style: chr7-93105961-A-G. GRCh37 (hg19) VCF-style: chr7-92735274-A-G.
Other names: c.137T>C, p.Leu46Ser (NM_001193307.2); short protein forms L46S.
Identifiers: ClinVar variation 4159094 (VCV004159094.1).

ClinVar aggregate classification (germline): Uncertain significance (1 of 4 stars; one submission).

Conditions:
Inborn genetic diseases. Identifiers: MedGen C0950123, MeSH D030342.

gnomAD v4.1: 1 of 1,608,528 alleles (0.000062%); highest among the groups gnomAD compares: East Asian, 0.0022%; no homozygotes.

Submission:

Ambry Genetics
Classification: Uncertain significance for Inborn genetic diseases. Last evaluated: 2025-07-22. Review status: criteria provided, single submitter. Criteria: Ambry Variant Classification Scheme 2023. Collection method: clinical testing. Allele origin: germline.
Comment: The p.L46S variant (also known as c.137T>C), located in coding exon 1 of the SAMD9 gene, results from a T to C substitution at nucleotide position 137. The leucine at codon 46 is replaced by serine, an amino acid with dissimilar properties. This amino acid position is conserved. In addition, this alteration is predicted to be deleterious by in silico analysis. Based on the available evidence, the clinical significance of this variant remains unclear.